The following is an entry in ClinVar:

ClinVar aggregate classification (germline): Uncertain significance. Review status: criteria provided, multiple submitters, no conflicts (2 of 4 stars). 2 submissions from 2 submitters: Uncertain significance (2). Last evaluated 2024-11-16.

Conditions:
Hereditary cancer-predisposing syndrome. Also called: Hereditary Cancer Syndrome; Hereditary neoplastic syndrome; Neoplastic Syndromes, Hereditary; Tumor predisposition. Identifiers: Orphanet 140162, MedGen C0027672, MeSH D009386, MONDO:0015356.
Bloom syndrome (BLM). Also called: Bloom-Torre-Machacek syndrome. Identifiers: Orphanet 125, MedGen C0005859, MONDO:0008876, OMIM 210900.

Submissions (2):

Ambry Genetics
Classification: Uncertain significance for Hereditary cancer-predisposing syndrome. Last evaluated: 2024-11-16. Review status: criteria provided, single submitter. Criteria: Ambry Variant Classification Scheme 2023. Collection method: clinical testing. Allele origin: germline.
Comment: The p.M157V variant (also known as c.469A>G), located in coding exon 2 of the BLM gene, results from an A to G substitution at nucleotide position 469. The methionine at codon 157 is replaced by valine, an amino acid with highly similar properties. This amino acid position is conserved. In addition, this alteration is predicted to be tolerated by in silico analysis. Based on the available evidence, the clinical significance of this variant remains unclear.

Labcorp Genetics (formerly Invitae), Labcorp
Classification: Uncertain significance for Bloom syndrome. Last evaluated: 2024-05-06. Review status: criteria provided, single submitter. Criteria: Invitae Variant Classification Sherloc (09022015). Collection method: clinical testing. Allele origin: germline.
Comment: This sequence change replaces methionine, which is neutral and non-polar, with valine, which is neutral and non-polar, at codon 157 of the BLM protein (p.Met157Val). This variant is not present in population databases (gnomAD no frequency). This variant has not been reported in the literature in individuals affected with BLM-related conditions. ClinVar contains an entry for this variant (Variation ID: 1450629). An algorithm developed to predict the effect of missense changes on protein structure and function (PolyPhen-2) suggests that this variant is likely to be tolerated. In summary, the available evidence is currently insufficient to determine the role of this variant in disease. Therefore, it has been classified as a Variant of Uncertain Significance.

NM_000057.4(BLM):c.469A>G (p.Met157Val)

Gene: BLM (BLM RecQ like helicase; plus strand). Cytogenetic location: 15q26.1.
Variant type: single nucleotide variant.
Coding change: c.469A>G on transcript NM_000057.4 (MANE Select); coding-DNA position 469, A replaced by G.
Protein change: p.Met157Val; replaces methionine 157 with valine.
Molecular consequence: missense variant. On other transcripts: 5 prime UTR variant (1).
Genome position (GRCh38, 1-based): chr15:90,749,737, A>G. VCF-style: chr15-90749737-A-G. GRCh37 (hg19) VCF-style: chr15-91292967-A-G.
Other names: c.469A>G (NM_000057.2); c.469A>G, p.Met157Val (NM_001287246.2, NM_001287247.2); c.-823A>G (NM_001287248.2); short protein forms M157V.
Identifiers: ClinVar variation 1450629 (VCV001450629.9), dbSNP rs2151147416, ClinGen allele CA393840854.